The following is an entry in ClinVar:

NM_014989.7(RIMS1):c.1183C>A (p.Leu395Ile)

Gene: RIMS1 (regulating synaptic membrane exocytosis 1; plus strand). Cytogenetic location: 6q13.
Variant type: single nucleotide variant.
Coding change: c.1183C>A on transcript NM_014989.7 (MANE Select); coding-DNA position 1183, C replaced by A.
Protein change: p.Leu395Ile; replaces leucine 395 with isoleucine.
Molecular consequence: missense variant.
Genome position (GRCh38, 1-based): chr6:72,182,654, C>A. VCF-style: chr6-72182654-C-A. GRCh37 (hg19) VCF-style: chr6-72892357-C-A.
Other names: short protein forms L395I.
Identifiers: ClinVar variation 2096408 (VCV002096408.4), dbSNP rs2551808156, ClinGen allele CA364820436.

ClinVar aggregate classification (germline): Uncertain significance (1 of 4 stars; one submission).

Allele frequency attached by ClinVar (database versions not stated): gnomAD exomes below 0.00001.
gnomAD v4.1: 1 of 1,477,788 alleles (0.000068%); highest among the groups gnomAD compares: Non-Finnish European, 0.00009%; no homozygotes.

Submission:

Labcorp Genetics (formerly Invitae), Labcorp
Classification: Uncertain significance. Last evaluated: 2022-02-11. Review status: criteria provided, single submitter. Criteria: Invitae Variant Classification Sherloc (09022015). Collection method: clinical testing. Allele origin: germline.
Comment: In summary, the available evidence is currently insufficient to determine the role of this variant in disease. Therefore, it has been classified as a Variant of Uncertain Significance. Algorithms developed to predict the effect of missense changes on protein structure and function are either unavailable or do not agree on the potential impact of this missense change (SIFT: "Deleterious"; PolyPhen-2: "Benign"; Align-GVGD: "Class C0"). This variant has not been reported in the literature in individuals affected with RIMS1-related conditions. This variant is not present in population databases (gnomAD no frequency). This sequence change replaces leucine, which is neutral and non-polar, with isoleucine, which is neutral and non-polar, at codon 395 of the RIMS1 protein (p.Leu395Ile).